The following is an entry in ClinVar:

NM_000287.4(PEX6):c.617G>A (p.Gly206Glu)

Gene: PEX6 (peroxisomal biogenesis factor 6; minus strand). Cytogenetic location: 6p21.1.
Variant type: single nucleotide variant.
Coding change: c.617G>A on transcript NM_000287.4 (MANE Select); coding-DNA position 617, G replaced by A.
Protein change: p.Gly206Glu; replaces glycine 206 with glutamic acid.
Molecular consequence: missense variant. On other transcripts: non-coding transcript variant (1).
Genome position (GRCh38, 1-based): chr6:42,978,534, C>T on the plus strand (G>A on the coding strand, the complement: PEX6 is on the minus strand). VCF-style: chr6-42978534-C-T. GRCh37 (hg19) VCF-style: chr6-42946272-C-T.
Other names: c.617G>A, p.Gly206Glu (NM_001316313.2); c.617G>A (NM_000287.3); short protein forms G206E.
Identifiers: ClinVar variation 289831 (VCV000289831.11), dbSNP rs139093654, ClinGen allele CA3811597.
Genomic context (GRCh38, chr6:42,978,534, plus strand): 5'-GCCACCCACACCCATTCGCCCTGGAAGAGGCCAAGGCCACGGAGACAGCTCCGGCTCACC[C>T]CTAGTGAATCTCCAGTCCCTCCCAGAACTCCCTGGAGTCGCCGCACTGTGCCAGAAACCG-3'
Protein context (NP_000278.3, residues 196-216): GVLGGTGDSL[Gly206Glu]VSRSCLRGLG

ClinVar aggregate classification (germline): Uncertain significance. Review status: criteria provided, multiple submitters, no conflicts (2 of 4 stars). 6 submissions from 6 submitters: Uncertain significance (5). 1 of the submissions does not count toward it. Last evaluated 2026-05-18.

Conditions:
Heimler syndrome 2 (HMLR2). Also called: PEROXISOME BIOGENESIS DISORDER 4C. Identifiers: Orphanet 3220, MedGen C4225267, OMIM 616617, MONDO:0014709.
Peroxisome biogenesis disorder 4A (Zellweger) (PBD4A). Also called: Zellweger syndrome spectrum (PEX6-related). Identifiers: Orphanet 912, MedGen C3553936, MONDO:0013930, OMIM 614862. Disease mechanism: loss of function.
Peroxisome biogenesis disorder 4B (PBD4B). Also called: SPINOCEREBELLAR ATAXIA WITH BLINDNESS AND DEAFNESS 1. Identifiers: Orphanet 44, Orphanet 95433, MedGen C3553937, MONDO:0013931, OMIM 614863.
Zellweger spectrum disorders (ZS). Also called: Zellweger syndrome; Zellweger Spectrum Disorder (ZSD); Zellweger Spectrum Disorder; Zellweger Spectrum. Identifiers: Orphanet 912, MedGen C0043459, MONDO:0019609.
PEX6-related disorder. Also called: PEX6-related condition; PEX6-related disorders.
Peroxisome biogenesis disorder. Identifiers: Orphanet 79189, MedGen C1832200, MONDO:0019234. Disease mechanism: loss of function.

Allele frequency attached by ClinVar (database versions not stated): ExAC 0.00005; gnomAD exomes 0.00009 and 0.00026; TOPMed 0.00012; gnomAD 0.00017 and 0.00018; ESP Exome Variant Server 0.00023.

Submissions (9):

PreventionGenetics, part of Exact Sciences
Classification: Uncertain significance for PEX6-related condition. Last evaluated: 2026-05-18. Review status: criteria provided, single submitter. Criteria: ACMG Guidelines, 2015. Collection method: clinical testing. Allele origin: germline.
Comment: The PEX6 c.617G>A variant is predicted to result in the amino acid substitution p.Gly206Glu. To our knowledge, this variant has not been reported in the literature. This variant is reported in 0.019% of alleles in individuals of European (Non-Finnish) descent in gnomAD. At this time, the clinical significance of this variant is uncertain due to the absence of conclusive functional and genetic evidence.

Victorian Clinical Genetics Services, Murdoch Childrens Research Institute
Classification: Uncertain significance for Peroxisome biogenesis disorder 4B. Last evaluated: 2023-07-17. Review status: criteria provided, single submitter. Criteria: ACMG Guidelines, 2015. Collection method: clinical testing. Allele origin: germline. Inheritance: Autosomal recessive inheritance. Affected: yes.
Comment: Based on the classification scheme VCGS_Germline_v1.3.4, this variant is classified as VUS-3B. Following criteria are met: 0102 - Loss of function is a known mechanism of disease in this gene and is associated with PEX6-related disorders (OMIM). (I) 0108 - This gene is associated with both recessive and dominant disease. Dominant disease is caused by a single recurring missense variant, p.(Arg860Trp) (OMIM, PMID: 29220678). (I) 0200 - Variant is predicted to result in a missense amino acid change from glycine to glutamic acid. (I) 0251 - This variant is heterozygous. (I) 0304 - Variant is present in gnomAD (v2) <0.01 for a recessive condition (27 heterozygotes, 0 homozygotes). (SP) 0502 - Missense variant with conflicting in silico predictions and uninformative conservation. (I) 0604 - Variant is not located in an established domain, motif, hotspot or informative constraint region. (I) 0705 - No comparable missense variants have previous evidence for pathogenicity. (I) 0809 - Previous evidence of pathogenicity for this variant is inconclusive. This variant has been reported as a VUS (ClinVar). (I) 0905 - No published segregation evidence has been identified for this variant. (I) 1007 - No published functional evidence has been identified for this variant. (I) 1208 - Inheritance information for this variant is not currently available in this individual. (I) Legend: (SP) - Supporting pathogenic, (I) - Information, (SB) - Supporting benign

Labcorp Genetics (formerly Invitae), Labcorp
Classification: Uncertain significance for Peroxisome biogenesis disorder. Last evaluated: 2022-10-08. Review status: criteria provided, single submitter. Criteria: Invitae Variant Classification Sherloc (09022015). Collection method: clinical testing. Allele origin: germline.
Comment: This sequence change replaces glycine, which is neutral and non-polar, with glutamic acid, which is acidic and polar, at codon 206 of the PEX6 protein (p.Gly206Glu). This variant is present in population databases (rs139093654, gnomAD 0.02%). This variant has not been reported in the literature in individuals affected with PEX6-related conditions. ClinVar contains an entry for this variant (Variation ID: 289831). Advanced modeling of protein sequence and biophysical properties (such as structural, functional, and spatial information, amino acid conservation, physicochemical variation, residue mobility, and thermodynamic stability) performed at Invitae indicates that this missense variant is not expected to disrupt PEX6 protein function. Algorithms developed to predict the effect of sequence changes on RNA splicing suggest that this variant may create or strengthen a splice site. In summary, the available evidence is currently insufficient to determine the role of this variant in disease. Therefore, it has been classified as a Variant of Uncertain Significance.

Fulgent Genetics
Classification: Uncertain significance for Peroxisome biogenesis disorder 4A (Zellweger); Peroxisome biogenesis disorder 4B; Heimler syndrome 2. Last evaluated: 2022-01-13. Review status: criteria provided, single submitter. Criteria: ACMG Guidelines, 2015. Collection method: clinical testing. Allele origin: unknown.

Eurofins Ntd Llc (ga)
Classification: Uncertain significance. Last evaluated: 2018-08-09. Review status: criteria provided, single submitter. Criteria: EGL ClinVar v180209 classification definitions. Collection method: clinical testing. Allele origin: germline. Observed: 3 variant alleles, 3 heterozygotes.

Natera, Inc.
Classification: Uncertain significance for Zellweger syndrome. Last evaluated: 2019-10-28. Review status: no assertion criteria provided. Collection method: clinical testing. Allele origin: germline. Not counted in ClinVar's aggregate classification.

Dr. Peter K. Rogan Lab, Western University
No classification provided (evidence only). Condition: Clear cell carcinoma of kidney. Review status: no classification provided. Collection method: in vitro. Allele origin: not applicable. Functional consequence: cryptic splice site. Not counted in ClinVar's aggregate classification.

Dr. Peter K. Rogan Lab, Western University
No classification provided (evidence only). Condition: Clear cell carcinoma of kidney. Review status: no classification provided. Collection method: in vitro. Allele origin: not applicable. Functional consequence: cryptic splice site, retained intron. Not counted in ClinVar's aggregate classification.

Dr. Peter K. Rogan Lab, Western University
No classification provided (evidence only). Condition: Familial cancer of breast. Review status: no classification provided. Collection method: in vitro. Allele origin: not applicable. Functional consequence: cryptic splice site. Not counted in ClinVar's aggregate classification.

Literature cited by the submitters: PubMed 29220678 (cited by Victorian Clinical Genetics Services, Murdoch Childrens Research Institute).